The following is an entry in ClinVar:

ClinVar aggregate classification (germline): Uncertain significance. Review status: criteria provided, multiple submitters, no conflicts (2 of 4 stars). 2 submissions from 2 submitters: Uncertain significance (2). Last evaluated 2025-07-15.

Allele frequency attached by ClinVar (database versions not stated): gnomAD exomes 0.00001; gnomAD 0.00003; TOPMed 0.00003; ESP Exome Variant Server 0.00008.
gnomAD v4.1: 7 of 1,611,732 alleles (0.00043%); highest among the groups gnomAD compares: African/African-American, 0.0013%; no homozygotes.

Submissions (2):

Ambry Genetics
Classification: Uncertain significance. Last evaluated: 2025-07-15. Review status: criteria provided, single submitter. Criteria: Ambry Variant Classification Scheme 2023. Collection method: clinical testing. Allele origin: germline.

Labcorp Genetics (formerly Invitae), Labcorp
Classification: Uncertain significance. Last evaluated: 2024-09-27. Review status: criteria provided, single submitter. Criteria: Invitae Variant Classification Sherloc (09022015). Collection method: clinical testing. Allele origin: germline.
Comment: This sequence change replaces lysine, which is basic and polar, with glutamic acid, which is acidic and polar, at codon 784 of the ZNF341 protein (p.Lys784Glu). This variant is present in population databases (rs375448009, gnomAD 0.003%). This variant has not been reported in the literature in individuals affected with ZNF341-related conditions. An algorithm developed to predict the effect of missense changes on protein structure and function (PolyPhen-2) suggests that this variant is likely to be tolerated. In summary, the available evidence is currently insufficient to determine the role of this variant in disease. Therefore, it has been classified as a Variant of Uncertain Significance.

NM_001282933.2(ZNF341):c.2371A>G (p.Lys791Glu)

Genes: ZNF341 (zinc finger protein 341; plus strand), ZNF341-AS1 (ZNF341 antisense RNA 1; minus strand). Cytogenetic location: 20q11.22.
Variant type: single nucleotide variant.
Coding change: c.2371A>G on transcript NM_001282933.2 (MANE Select); coding-DNA position 2371, A replaced by G.
Protein change: p.Lys791Glu; replaces lysine 791 with glutamic acid.
Molecular consequence: missense variant. On other transcripts: non-coding transcript variant (1).
Genome position (GRCh38, 1-based): chr20:33,791,323, A>G. VCF-style: chr20-33791323-A-G. GRCh37 (hg19) VCF-style: chr20-32379129-A-G.
Other names: c.2350A>G (NM_032819.3); c.2101A>G, p.Lys701Glu (NM_001282935.2); c.2350A>G, p.Lys784Glu (NM_032819.5); short protein forms K701E, K784E, K791E.
Identifiers: ClinVar variation 2874561 (VCV002874561.4), dbSNP rs375448009, ClinGen allele CA313313014.